The following is an entry in ClinVar:

ClinVar aggregate classification (germline): Pathogenic. Review status: criteria provided, multiple submitters, no conflicts (2 of 4 stars). 2 submissions from 2 submitters: Pathogenic (2). Last evaluated 2025-12-12.

Conditions:
Hereditary cancer-predisposing syndrome. Also called: Hereditary Cancer Syndrome; Hereditary neoplastic syndrome; Tumor predisposition; Neoplastic Syndromes, Hereditary. Identifiers: Orphanet 140162, MedGen C0027672, MeSH D009386, MONDO:0015356.
Juvenile polyposis syndrome (JPS). Identifiers: Orphanet 2929, MedGen C0345893, MONDO:0017380, OMIM 174900.

Submissions (2):

Ambry Genetics
Classification: Pathogenic for Hereditary cancer-predisposing syndrome. Last evaluated: 2025-12-12. Review status: criteria provided, single submitter. Criteria: Ambry Variant Classification Scheme 2023. Collection method: clinical testing. Allele origin: germline.
Comment: The p.W438* pathogenic mutation (also known as c.1313G>A), located in coding exon 9 of the BMPR1A gene, results from a G to A substitution at nucleotide position 1313. This changes the amino acid from a tryptophan to a stop codon within coding exon 9. This variant is considered to be rare based on population cohorts in the Genome Aggregation Database (gnomAD). This alteration is expected to result in loss of function by premature protein truncation or nonsense-mediated mRNA decay. As such, this alteration is interpreted as a disease-causing mutation.

Myriad Genetics, Inc.
Classification: Pathogenic for Juvenile polyposis syndrome. Last evaluated: 2024-10-01. Review status: criteria provided, single submitter. Criteria: Myriad Autosomal Dominant, Autosomal Recessive and X-Linked Classification Criteria (2023). Collection method: clinical testing. Allele origin: unknown.
Comment: This variant is considered pathogenic. This variant creates a termination codon and is predicted to result in premature protein truncation.

NM_004329.3(BMPR1A):c.1313G>A (p.Trp438Ter)

Gene: BMPR1A (bone morphogenetic protein receptor type 1A; plus strand). Cytogenetic location: 10q23.2.
Variant type: single nucleotide variant.
Coding change: c.1313G>A on transcript NM_004329.3 (MANE Select); coding-DNA position 1313, G replaced by A.
Protein change: p.Trp438Ter; replaces tryptophan 438 with a stop codon.
Molecular consequence: nonsense. On other transcripts: non-coding transcript variant (3).
Genome position (GRCh38, 1-based): chr10:86,921,666, G>A. VCF-style: chr10-86921666-G-A. GRCh37 (hg19) VCF-style: chr10-88681423-G-A.
Other names: c.1313G>A, p.Trp438Ter (NM_001406571.1, NM_001406573.1, NM_001406574.1 and 19 more transcripts); c.1229G>A, p.Trp410Ter (NM_001406586.1, NM_001406587.1, NM_001406588.1 and 2 more transcripts); c.971G>A, p.Trp324Ter (NM_001406589.1); c.1388G>A, p.Trp463Ter (NM_001406559.1); c.1361G>A, p.Trp454Ter (NM_001406560.1); c.1307G>A, p.Trp436Ter (NM_001406583.1); short protein forms W324*, W410*, W436*, W438*, W454*, W463*.
Identifiers: ClinVar variation 3772866 (VCV003772866.2).
Genomic context (GRCh38, chr10:86,921,666, plus strand): 5'-ACAAAAACCACTTCCAGCCCTACATCATGGCTGACATCTACAGCTTCGGCCTAATCATTT[G>A]GGAGATGGCTCGTCGTTGTATCACAGGAGGTGGGAGTTTGAGTAGTTTCTGATTATGTTG-3'